The following is an entry in ClinVar:

NM_017946.4(FKBP14):c.66C>A (p.Ile22=)

Genes: FKBP14 (FKBP prolyl isomerase 14; minus strand), FKBP14-AS1 (FKBP14 antisense RNA 1; plus strand). Cytogenetic location: 7p14.3.
Variant type: single nucleotide variant.
Coding change: c.66C>A on transcript NM_017946.4 (MANE Select); coding-DNA position 66, C replaced by A.
Protein change: p.Ile22=; no amino-acid change (isoleucine 22 retained).
Molecular consequence: synonymous variant. On other transcripts: non-coding transcript variant (2).
Genome position (GRCh38, 1-based): chr7:30,026,443, G>T on the plus strand (C>A on the coding strand, the complement: FKBP14 is on the minus strand). VCF-style: chr7-30026443-G-T. GRCh37 (hg19) VCF-style: chr7-30066059-G-T.
Other names: p.Ile22=.
Identifiers: ClinVar variation 1125931 (VCV001125931.13), dbSNP rs151294110, ClinGen allele CA4203512.
Genomic context (GRCh38, chr7:30,026,443, plus strand): 5'-GGTCTTGCGATGGCAGATGAATGGCTTCTGGAGAACTTCAATTTTCACTTCTGGTTCAGG[G>T]ATCAAAGCCCCAATCAAAGAAGTGACGAACAGAGTCAAGACCGCGTTCCACAAGAAAAGC-3'
Protein context (NP_060416.1, residues 12-32): LFVTSLIGAL[Ile22=]PEPEVKIEVL

ClinVar aggregate classification (germline): Likely benign. Review status: criteria provided, multiple submitters, no conflicts (2 of 4 stars). 4 submissions from 4 submitters: Likely benign (4). Last evaluated 2025-12-20.

Conditions:
Cardiovascular phenotype. Identifiers: MedGen CN230736.
Ehlers-Danlos syndrome, kyphoscoliotic type, 2. Also called: Ehlers-Danlos syndrome, kyphoscoliotic and deafness type; FKBP14-Kyphoscoliotic Ehlers-Danlos Syndrome; Ehlers-Danlos syndrome with progressive kyphoscoliosis, myopathy, and hearing loss. Identifiers: Orphanet 300179, MedGen C3281160, MONDO:0013800, OMIM 614557.

Allele frequency attached by ClinVar (database versions not stated): ExAC 0.00001; gnomAD 0.00001; gnomAD exomes 0.00001; TOPMed 0.00001; ESP Exome Variant Server 0.00008.
gnomAD v4.1: 8 of 1,613,984 alleles (0.0005%); highest among the groups gnomAD compares: Non-Finnish European, 0.00042%; no homozygotes.

Submissions (4):

Labcorp Genetics (formerly Invitae), Labcorp
Classification: Likely benign for Ehlers-Danlos syndrome, kyphoscoliotic type, 2. Last evaluated: 2025-12-20. Review status: criteria provided, single submitter. Criteria: Invitae Variant Classification Sherloc (09022015). Collection method: clinical testing. Allele origin: germline.

Mayo Clinic Laboratories, Mayo Clinic
Classification: Likely benign. Last evaluated: 2025-09-24. Review status: criteria provided, single submitter. Criteria: ACMG Guidelines, 2015. Collection method: clinical testing. Allele origin: germline. Observed: 1 variant allele.
Comment: BP4, BP7, PM2_supporting

Blueprint Genetics
Classification: Likely benign. Last evaluated: 2023-06-19. Review status: criteria provided, single submitter. Criteria: ACMG Guidelines, 2015. Collection method: clinical testing. Allele origin: germline.

Ambry Genetics
Classification: Likely benign for Cardiovascular phenotype. Last evaluated: 2021-07-30. Review status: criteria provided, single submitter. Criteria: Ambry Variant Classification Scheme 2023. Collection method: clinical testing. Allele origin: germline.